The following is an entry in ClinVar:

ClinVar aggregate classification (germline): Likely benign (1 of 4 stars; one submission).

Conditions:
Generalized pustular psoriasis. Identifiers: Orphanet 247353, MedGen C0343055, MONDO:0100491.

Allele frequency attached by ClinVar (database versions not stated): 1000 Genomes Project 0.00519; 1000 Genomes Project 30x 0.00609; gnomAD 0.00663 and 0.00725; TOPMed 0.00768.

Submission:

Illumina Laboratory Services, Illumina
Classification: Likely benign for Acrodermatitis continua suppurativa of Hallopeau. Last evaluated: 2018-01-13. Review status: criteria provided, single submitter. Criteria: ICSL Variant Classification Criteria 13 December 2019. Collection method: clinical testing. Allele origin: germline.
Comment: This variant was observed in the ICSL laboratory as part of a predisposition screen in an ostensibly healthy population. It had not been previously curated by ICSL or reported in the Human Gene Mutation Database (HGMD: prior to June 1st, 2018), and was therefore a candidate for classification through an automated scoring system. Utilizing variant allele frequency, disease prevalence and penetrance estimates, and inheritance mode, an automated score was calculated to assess if this variant is too frequent to cause the disease. Based on the score and internal cut-off values, a variant classified as likely benign is not then subjected to further curation. The score for this variant resulted in a classification of likely benign for this disease.

NM_012275.3(IL36RN):c.*1763G>A

Gene: IL36RN (interleukin 36 receptor antagonist; plus strand). Cytogenetic location: 2q14.1.
Variant type: single nucleotide variant.
Coding change: c.*1763G>A on transcript NM_012275.3 (MANE Select); 1763 bases downstream of the stop codon, G replaced by A.
Molecular consequence: 3 prime UTR variant.
Genome position (GRCh38, 1-based): chr2:113,064,440, G>A. VCF-style: chr2-113064440-G-A. GRCh37 (hg19) VCF-style: chr2-113822017-G-A.
Other names: c.*1763G>A (NM_173170.1).
Identifiers: ClinVar variation 330808 (VCV000330808.5), dbSNP rs72946729, ClinGen allele CA10611945.